The following is an entry in ClinVar:

ClinVar aggregate classification (germline): Uncertain significance. Review status: criteria provided, multiple submitters, no conflicts (2 of 4 stars). 2 submissions from 2 submitters: Uncertain significance (2). Last evaluated 2025-12-29.

Conditions:
Cardiovascular phenotype. Identifiers: MedGen CN230736.
Alstrom syndrome (ALMS). Identifiers: Orphanet 64, MedGen C0268425, MONDO:0008763, OMIM 203800.

Allele frequency attached by ClinVar (database versions not stated): gnomAD exomes below 0.00001; ExAC 0.00001.
gnomAD v4.1: 1 of 1,612,866 alleles (0.000062%); highest among the groups gnomAD compares: African/African-American, 0.0013%; no homozygotes.

Submissions (2):

Labcorp Genetics (formerly Invitae), Labcorp
Classification: Uncertain significance for Alstrom syndrome. Last evaluated: 2025-12-29. Review status: criteria provided, single submitter. Criteria: Invitae Variant Classification Sherloc (09022015). Collection method: clinical testing. Allele origin: germline.
Comment: This sequence change replaces isoleucine, which is neutral and non-polar, with valine, which is neutral and non-polar, at codon 110 of the ALMS1 protein (p.Ile110Val). This variant is present in population databases (rs766361400, gnomAD 0.007%). This variant has not been reported in the literature in individuals affected with ALMS1-related conditions. ClinVar contains an entry for this variant (Variation ID: 2009960). Experimental studies and prediction algorithms are not available or were not evaluated, and the functional significance of this variant is currently unknown. In summary, the available evidence is currently insufficient to determine the role of this variant in disease. Therefore, it has been classified as a Variant of Uncertain Significance.

Ambry Genetics
Classification: Uncertain significance for Cardiovascular phenotype. Last evaluated: 2023-09-28. Review status: criteria provided, single submitter. Criteria: Ambry Variant Classification Scheme 2023. Collection method: clinical testing. Allele origin: germline.
Comment: The p.I110V variant (also known as c.328A>G), located in coding exon 2 of the ALMS1 gene, results from an A to G substitution at nucleotide position 328. The isoleucine at codon 110 is replaced by valine, an amino acid with highly similar properties. This amino acid position is poorly conserved in available vertebrate species. In addition, this alteration is predicted to be tolerated by in silico analysis. Since supporting evidence is limited at this time, the clinical significance of this alteration remains unclear.

NM_001378454.1(ALMS1):c.325A>G (p.Ile109Val)

Gene: ALMS1 (ALMS1 centrosome and basal body associated protein; plus strand). Cytogenetic location: 2p13.1.
Variant type: single nucleotide variant.
Coding change: c.325A>G on transcript NM_001378454.1 (MANE Select); coding-DNA position 325, A replaced by G.
Protein change: p.Ile109Val; replaces isoleucine 109 with valine.
Molecular consequence: missense variant.
Genome position (GRCh38, 1-based): chr2:73,408,622, A>G. VCF-style: chr2-73408622-A-G. GRCh37 (hg19) VCF-style: chr2-73635750-A-G.
Other names: c.328A>G, p.Ile110Val (NM_015120.4); short protein forms I109V, I110V.
Identifiers: ClinVar variation 2009960 (VCV002009960.4), dbSNP rs766361400, ClinGen allele CA1712811.